The following is an entry in ClinVar:

NM_001142800.2(EYS):c.4451G>A (p.Trp1484Ter)

Gene: EYS (EGF-like photoreceptor maintenance factor; minus strand). Cytogenetic location: 6q12.
Variant type: single nucleotide variant.
Coding change: c.4451G>A on transcript NM_001142800.2 (MANE Select); coding-DNA position 4451, G replaced by A.
Protein change: p.Trp1484Ter; replaces tryptophan 1484 with a stop codon.
Molecular consequence: nonsense.
Genome position (GRCh38, 1-based): chr6:64,591,416, C>T on the plus strand (G>A on the coding strand, the complement: EYS is on the minus strand). VCF-style: chr6-64591416-C-T. GRCh37 (hg19) VCF-style: chr6-65301309-C-T.
Other names: NP_001136272.1:p.(Trp1484Ter); c.4451G>A (NM_001142800.1); c.4451G>A, p.Trp1484Ter (NM_001292009.2); short protein forms W1484*.
Identifiers: ClinVar variation 1459301 (VCV001459301.13), dbSNP rs1239854361, ClinGen allele CA364783297.

ClinVar aggregate classification (germline): Pathogenic. Review status: criteria provided, multiple submitters, no conflicts (2 of 4 stars). 6 submissions from 6 submitters: Pathogenic (6). Last evaluated 2024-07-18.

Conditions:
Retinitis pigmentosa (RP). Identifiers: Orphanet 791, MedGen C0035334, MeSH D012174, MONDO:0019200, OMIM 268000. Inheritance: Autosomal dominant, autosomal recessive and X linked inheritance.
Retinitis pigmentosa 25 (RP25). Identifiers: Orphanet 791, MedGen C1864446, MONDO:0011272, OMIM 602772.
EYS-related disorder. Also called: EYS-related condition.

Allele frequency attached by ClinVar (database versions not stated): TOPMed below 0.00001; gnomAD exomes 0.00004.
gnomAD v4.1: 14 of 1,551,292 alleles (0.0009%); highest among the groups gnomAD compares: Admixed American, 0.012%; no homozygotes.

Submissions (6):

Natera, Inc.
Classification: Pathogenic for Retinitis pigmentosa type 25. Last evaluated: 2024-07-18. Review status: criteria provided, single submitter. Criteria: Natera Variant Classification Schema (03/2026). Collection method: clinical testing. Allele origin: germline.
Comment: The c.4451G>A variant in EYS is a nonsense variant predicted to introduce a stop codon at amino acid 1484. This variant is expected to result in nonsense mediated decay, truncation, or a dysfunctional protein product. This variant is rare in the general population with a frequency below the threshold expected for the associated phenotype(s). This variant has been observed in one or more individuals affected with the associated recessive disease, as either homozygous or compound heterozygous with a second variant (PMID: 33302505). Given the available evidence, this variant is classified as Pathogenic.

Labcorp Genetics (formerly Invitae), Labcorp
Classification: Pathogenic. Last evaluated: 2024-07-08. Review status: criteria provided, single submitter. Criteria: Invitae Variant Classification Sherloc (09022015). Collection method: clinical testing. Allele origin: germline.
Comment: This sequence change creates a premature translational stop signal (p.Trp1484*) in the EYS gene. It is expected to result in an absent or disrupted protein product. Loss-of-function variants in EYS are known to be pathogenic (PMID: 18836446, 20333770). This variant is present in population databases (no rsID available, gnomAD 0.03%). This premature translational stop signal has been observed in individual(s) with EYS-related conditions (PMID: 21069908). ClinVar contains an entry for this variant (Variation ID: 1459301). For these reasons, this variant has been classified as Pathogenic.

Myriad Genetics, Inc.
Classification: Pathogenic for Retinitis pigmentosa 25. Last evaluated: 2024-05-14. Review status: criteria provided, single submitter. Criteria: Myriad Autosomal Dominant, Autosomal Recessive and X-Linked Classification Criteria (2023). Collection method: clinical testing. Allele origin: unknown.
Comment: NM_001142800.1(EYS):c.4451G>A(W1484*) is expected to be pathogenic in the context of retinitis pigmentosa, EYS-related. This variant is predicted to lead to an abnormal or absent protein product due to the creation of a premature termination codon in EYS, a gene where loss-of-function variants are known to be pathogenic. Please note: this variant was assessed in the context of healthy population screening.

Baylor Genetics
Classification: Pathogenic for Retinitis pigmentosa 25. Last evaluated: 2024-03-14. Review status: criteria provided, single submitter. Criteria: ACMG Guidelines, 2015. Collection method: clinical testing. Allele origin: unknown.

Ophthalmic Genetics Group, Institute of Molecular and Clinical Ophthalmology Basel
Classification: Pathogenic for Retinitis pigmentosa. Last evaluated: 2023-07-24. Review status: criteria provided, single submitter. Criteria: ACMG Guidelines, 2015. Collection method: research. Allele origin: germline. Affected: yes. Observed: 1 variant allele.
Comment: Clinical significance based on ACMG v2.0

This variant was classified as Pathogenic based on ACMG criteria: PVS1, PM2, PP5.

Blueprint Genetics
Classification: Pathogenic for EYS-related disorders. Last evaluated: 2019-09-27. Review status: criteria provided, single submitter. Criteria: ACMG Guidelines, 2015. Collection method: clinical testing. Allele origin: germline. Affected: yes. Observed: 3 variant alleles.

Literature cited by the submitters: PubMed 33302505 (cited by Natera, Inc.); PubMed 18836446 (cited by Labcorp Genetics (formerly Invitae), Labcorp); PubMed 20333770 (cited by Labcorp Genetics (formerly Invitae), Labcorp); PubMed 21069908 (cited by Labcorp Genetics (formerly Invitae), Labcorp); PubMed 36909829 (cited by Ophthalmic Genetics Group, Institute of Molecular and Clinical Ophthalmology Basel).